The following is an entry in ClinVar:

NM_031308.4(EPPK1):c.3196C>T (p.Arg1066Cys)

Gene: EPPK1 (epiplakin 1; minus strand). Cytogenetic location: 8q24.3.
Variant type: single nucleotide variant.
Coding change: c.3196C>T on transcript NM_031308.4 (MANE Select); coding-DNA position 3196, C replaced by T.
Protein change: p.Arg1066Cys; replaces arginine 1066 with cysteine.
Molecular consequence: missense variant.
Genome position (GRCh38, 1-based): chr8:143,870,058, G>A on the plus strand (C>T on the coding strand, the complement: EPPK1 is on the minus strand). VCF-style: chr8-143870058-G-A. GRCh37 (hg19) VCF-style: chr8-144944226-G-A.
Other names: short protein forms R1066C.
Identifiers: ClinVar variation 3035469 (VCV003035469.2), dbSNP rs116925616, ClinGen allele CA4922845.
Genomic context (GRCh38, chr8:143,870,058, plus strand): 5'-TGGGGAAGGTTTCGGAGGAGCTGGACAAGGCTGTCTCCATCTCCTGGTCAACATAGCCAC[G>A]CTGAATGGCCACTGGCATGGGGAGGTGGTGGTGGCTGGTGGGGTCAATGATCCCTCCTGT-3'
Protein context (NP_112598.3, residues 1056-1076): HHLPMPVAIQ[Arg1066Cys]GYVDQEMETA

ClinVar aggregate classification (germline): Benign (0 of 4 stars; one submission).

Conditions:
EPPK1-related disorder. Also called: EPPK1-related condition.

Allele frequency attached by ClinVar (database versions not stated): 1000 Genomes Project 0.00739; 1000 Genomes Project 30x 0.00812; TOPMed 0.01221; ESP Exome Variant Server 0.01383; gnomAD 0.01411; ExAC 0.01570; gnomAD exomes 0.01724.

Submission:

PreventionGenetics, part of Exact Sciences
Classification: Benign for EPPK1-related condition. Last evaluated: 2021-04-15. Review status: no assertion criteria provided. Collection method: clinical testing. Allele origin: germline.
Comment: This variant is classified as benign based on ACMG/AMP sequence variant interpretation guidelines (Richards et al. 2015 PMID: 25741868, with internal and published modifications).